The following is an entry in ClinVar:

ClinVar aggregate classification (germline): Conflicting classifications of pathogenicity. Review status: criteria provided, conflicting classifications (1 of 4 stars). 2 submissions from 2 submitters: Uncertain significance (1); Likely benign (1). Last evaluated 2024-09-20.

Conditions:
Autism, susceptibility to, X-linked 4 (AUTSX4). Identifiers: MedGen C0795888, MONDO:0010440, OMIM 300830.
Inborn genetic diseases. Identifiers: MedGen C0950123, MeSH D030342.

Submissions (2):

3billion
Classification: Likely benign for Autism, susceptibility to, X-linked 4. Last evaluated: 2024-09-20. Review status: criteria provided, single submitter. Criteria: ACMG Guidelines, 2015. Collection method: clinical testing. Allele origin: germline. Affected: no.
Comment: The hemizygous variant was found in patients diagnosed with another variant in a different gene, with no symptoms related to the gene containing the hemizygous variant.

Ambry Genetics
Classification: Uncertain significance for Inborn genetic diseases. Last evaluated: 2022-06-29. Review status: criteria provided, single submitter. Criteria: Ambry Variant Classification Scheme 2023. Collection method: clinical testing. Allele origin: germline.

NM_173495.3(PTCHD1):c.1432T>C (p.Tyr478His)

Gene: PTCHD1 (patched domain containing 1; plus strand). Cytogenetic location: Xp22.11.
Variant type: single nucleotide variant.
Coding change: c.1432T>C on transcript NM_173495.3 (MANE Select); coding-DNA position 1432, T replaced by C.
Protein change: p.Tyr478His; replaces tyrosine 478 with histidine.
Molecular consequence: missense variant.
Genome position (GRCh38, 1-based): chrX:23,392,950, T>C. VCF-style: chrX-23392950-T-C. GRCh37 (hg19) VCF-style: chrX-23411067-T-C.
Other names: short protein forms Y478H.
Identifiers: ClinVar variation 2299041 (VCV002299041.3), dbSNP rs766581848, ClinGen allele CA327634965.